The following is an entry in ClinVar:

ClinVar aggregate classification (germline): Likely benign. Review status: criteria provided, multiple submitters, no conflicts (2 of 4 stars). 7 submissions from 7 submitters: Likely benign (6). 1 of the submissions does not count toward it. Last evaluated 2025-12-30.

Conditions:
Wilson disease (WND). Also called: Wilson's disease. Identifiers: Orphanet 905, MedGen C0019202, MONDO:0010200, OMIM 277900. Disease mechanism: loss of function.
Inborn genetic diseases. Identifiers: MedGen C0950123, MeSH D030342.

Allele frequency attached by ClinVar (database versions not stated): gnomAD exomes 0.00001; gnomAD 0.00002; TOPMed 0.00002.

Submissions (7):

Labcorp Genetics (formerly Invitae), Labcorp
Classification: Likely benign for Wilson disease. Last evaluated: 2025-12-30. Review status: criteria provided, single submitter. Criteria: Invitae Variant Classification Sherloc (09022015). Collection method: clinical testing. Allele origin: germline.

Blueprint Genetics
Classification: Likely benign. Last evaluated: 2024-11-11. Review status: criteria provided, single submitter. Criteria: ACMG Guidelines, 2015. Collection method: clinical testing. Allele origin: germline.

All of Us Research Program, National Institutes of Health
Classification: Likely benign for Wilson disease. Last evaluated: 2023-11-28. Review status: criteria provided, single submitter. Criteria: ACMG Guidelines, 2015. Collection method: clinical testing. Allele origin: germline. Inheritance: Autosomal recessive inheritance. Observed: 4 variant alleles, 4 heterozygotes.
Comment: This study involves interpretation of variants in research participants for the purpose of population health screening. Participant phenotype was not available at the time of variant classification. Additional details can be found in publication PMID: 35346344, PMCID: PMC8962531

Color Diagnostics, LLC DBA Color Health
Classification: Likely benign for Wilson disease. Last evaluated: 2022-06-17. Review status: criteria provided, single submitter. Criteria: ACMG Guidelines, 2015. Collection method: clinical testing. Allele origin: germline.

Ambry Genetics
Classification: Likely benign for Inborn genetic diseases. Last evaluated: 2022-03-30. Review status: criteria provided, single submitter. Criteria: Ambry Variant Classification Scheme 2023. Collection method: clinical testing. Allele origin: germline.

Fulgent Genetics
Classification: Likely benign for Wilson disease. Last evaluated: 2021-08-03. Review status: criteria provided, single submitter. Criteria: ACMG Guidelines, 2015. Collection method: clinical testing. Allele origin: unknown.

Natera, Inc.
Classification: Uncertain significance for Wilson disease. Last evaluated: 2020-01-24. Review status: no assertion criteria provided. Collection method: clinical testing. Allele origin: germline. Not counted in ClinVar's aggregate classification.

NM_000053.4(ATP7B):c.4035C>T (p.Pro1345=)

Gene: ATP7B (ATPase copper transporting beta; minus strand). Cytogenetic location: 13q14.3.
Variant type: single nucleotide variant.
Coding change: c.4035C>T on transcript NM_000053.4 (MANE Select); coding-DNA position 4035, C replaced by T.
Protein change: p.Pro1345=; no amino-acid change (proline 1345 retained).
Molecular consequence: synonymous variant.
Genome position (GRCh38, 1-based): chr13:51,935,682, G>A on the plus strand (C>T on the coding strand, the complement: ATP7B is on the minus strand). VCF-style: chr13-51935682-G-A. GRCh37 (hg19) VCF-style: chr13-52509818-G-A.
Other names: c.3414C>T, p.Pro1138= (NM_001005918.3); c.3702C>T, p.Pro1234= (NM_001243182.2); c.3801C>T, p.Pro1267= (NM_001330578.2); c.3783C>T, p.Pro1261= (NM_001330579.2).
Identifiers: ClinVar variation 754357 (VCV000754357.16), dbSNP rs564541246, ClinGen allele CA250072158.
Genomic context (GRCh38, chr13:51,935,682, plus strand): 5'-AGACACAGAGGAGGCTGCCATGGCCGCTGAGCCCATCCAGGGCTGCAGCACAATGCCGAT[G>A]GGCATGAAGACACCTGGGGAAGAAAGAACTCGCACTCACACCTAGGTCTGGGGAGAGGAG-3'
Protein context (NP_000044.2, residues 1335-1355): GIPIAAGVFM[Pro1345=]IGIVLQPWMG